The following is an entry in ClinVar:

ClinVar aggregate classification (germline): Likely benign. Review status: criteria provided, single submitter (1 of 4 stars). 2 submissions from 2 submitters: Likely benign (1). 1 of the submissions does not count toward it. Last evaluated 2025-12-08.

Conditions:
CPLANE1-related disorder. Also called: CPLANE1-related condition.

Allele frequency attached by ClinVar (database versions not stated): TOPMed below 0.00001.

Submissions (2):

Labcorp Genetics (formerly Invitae), Labcorp
Classification: Likely benign. Last evaluated: 2025-12-08. Review status: criteria provided, single submitter. Criteria: Invitae Variant Classification Sherloc (09022015). Collection method: clinical testing. Allele origin: germline.

PreventionGenetics, part of Exact Sciences
Classification: Likely benign for CPLANE1-related condition. Last evaluated: 2024-03-26. Review status: no assertion criteria provided. Collection method: clinical testing. Allele origin: germline. Not counted in ClinVar's aggregate classification.
Comment: This variant is classified as likely benign based on ACMG/AMP sequence variant interpretation guidelines (Richards et al. 2015 PMID: 25741868, with internal and published modifications).

NM_001384732.1(CPLANE1):c.7266C>T (p.Asn2422=)

Gene: CPLANE1 (ciliogenesis and planar polarity effector complex subunit 1; minus strand). Cytogenetic location: 5p13.2.
Variant type: single nucleotide variant.
Coding change: c.7266C>T on transcript NM_001384732.1 (MANE Select); coding-DNA position 7266, C replaced by T.
Protein change: p.Asn2422=; no amino-acid change (asparagine 2422 retained).
Molecular consequence: synonymous variant.
Genome position (GRCh38, 1-based): chr5:37,167,181, G>A on the plus strand (C>T on the coding strand, the complement: CPLANE1 is on the minus strand). VCF-style: chr5-37167181-G-A. GRCh37 (hg19) VCF-style: chr5-37167283-G-A.
Other names: c.7266C>T, p.Asn2422= (NM_023073.4); c.7266C>T (NM_023073.3).
Identifiers: ClinVar variation 1616100 (VCV001616100.9), dbSNP rs1207384256, ClinGen allele CA443921041.